The following is an entry in ClinVar:

NM_001267550.2(TTN):c.51581G>A (p.Trp17194Ter)

Genes: TTN (titin; minus strand), TTN-AS1 (TTN antisense RNA 1; plus strand). Cytogenetic location: 2q31.2.
Variant type: single nucleotide variant.
Coding change: c.51581G>A on transcript NM_001267550.2 (MANE Select); coding-DNA position 51581, G replaced by A.
Protein change: p.Trp17194Ter; replaces tryptophan 17194 with a stop codon.
Molecular consequence: nonsense.
Genome position (GRCh38, 1-based): chr2:178,609,842, C>T on the plus strand (G>A on the coding strand, the complement: TTN is on the minus strand). VCF-style: chr2-178609842-C-T. GRCh37 (hg19) VCF-style: chr2-179474569-C-T.
Other names: c.46658G>A, p.Trp15553Ter (NM_001256850.1); c.24386G>A, p.Trp8129Ter (NM_003319.4); c.43877G>A, p.Trp14626Ter (NM_133378.4); c.24761G>A, p.Trp8254Ter (NM_133432.3); c.24962G>A, p.Trp8321Ter (NM_133437.4); short protein forms W17194*, W15553*, W8129*, W8254*, W14626*, W8321*.
Identifiers: ClinVar variation 520481 (VCV000520481.3), dbSNP rs1553692290, ClinGen allele CA349584257.
Genomic context (GRCh38, chr2:178,609,842, plus strand): 5'-TCTTCAAGTCCTTTTGCTGTATAGGTCAGGATTGGTACCAGGTGTTCATTGCATCTCTTC[C>T]ACCTTTCTTCACCCTTAGCAATCTTCTCTATGATGTAGCCCATTATCTTGCTCCCTCCAT-3'

ClinVar aggregate classification (germline): Likely pathogenic (1 of 4 stars; one submission).

Conditions:
Cardiovascular phenotype. Identifiers: MedGen CN230736.

Allele frequency attached by ClinVar (database versions not stated): gnomAD exomes below 0.00001.
gnomAD v4.1: 1 of 1,613,002 alleles (0.000062%); highest among the groups gnomAD compares: Non-Finnish European, 0.000085%; no homozygotes.

Submission:

Molecular Diagnostic Laboratory for Inherited Cardiovascular Disease, Montreal Heart Institute
Classification: Likely pathogenic for Cardiovascular phenotype. Last evaluated: 2025-03-06. Review status: criteria provided, single submitter. Criteria: ACMG Guidelines, 2015. Collection method: clinical testing. Allele origin: germline. Affected: yes.
Comment: PVS1, PM2